The following is an entry in ClinVar:

NM_000552.5(VWF):c.6653G>A (p.Arg2218Gln)

Gene: VWF (von Willebrand factor; minus strand). Cytogenetic location: 12p13.31.
Variant type: single nucleotide variant.
Coding change: c.6653G>A on transcript NM_000552.5 (MANE Select); coding-DNA position 6653, G replaced by A.
Protein change: p.Arg2218Gln; replaces arginine 2218 with glutamine.
Molecular consequence: missense variant.
Genome position (GRCh38, 1-based): chr12:5,991,964, C>T on the plus strand (G>A on the coding strand, the complement: VWF is on the minus strand). VCF-style: chr12-5991964-C-T. GRCh37 (hg19) VCF-style: chr12-6101130-C-T.
Other names: short protein forms R2218Q.
Identifiers: ClinVar variation 3907630 (VCV003907630.1).
Genomic context (GRCh38, chr12:5,991,964, plus strand): 5'-GGGCAGAAACAGCCTTCGGAGGGATGGTCCCCACAGGAGCTCACGTTGCCATCACAGTGC[C>T]GGGGACAGCCATGCTCACAGTGGTTGTAGACCAGAGATGGTGGGCATGACATAGCTGTAG-3'
Protein context (NP_000543.3, residues 2208-2228): VYNHCEHGCP[Arg2218Gln]HCDGNVSSCG

ClinVar aggregate classification (germline): Uncertain significance (1 of 4 stars; one submission).

gnomAD v4.1: 12 of 1,614,008 alleles (0.00074%); highest among the groups gnomAD compares: African/African-American, 0.0053%; no homozygotes.

Submission:

Women's Health and Genetics/Laboratory Corporation of America, LabCorp
Classification: Uncertain significance. Last evaluated: 2025-06-30. Review status: criteria provided, single submitter. Criteria: LabCorp Variant Classification Summary - May 2015. Collection method: clinical testing. Allele origin: germline.
Comment: Variant summary: VWF c.6653G>A (p.Arg2218Gln) results in a conservative amino acid change in the encoded protein sequence. Algorithms developed to predict the effect of missense changes on protein structure and function all suggest that this variant is likely to be tolerated. The variant allele was found at a frequency of 1.2e-05 in 251304 control chromosomes. The available data on variant occurrences in the general population are insufficient to allow any conclusion about variant significance. To our knowledge, no occurrence of c.6653G>A in individuals affected with Von Willebrand Disease and no experimental evidence demonstrating its impact on protein function have been reported. No submitters have cited clinical-significance assessments for this variant to ClinVar. Based on the evidence outlined above, the variant was classified as uncertain significance.